The following is an entry in ClinVar:

NM_033100.4(CDHR1):c.824G>A (p.Arg275Gln)

Gene: CDHR1 (cadherin related family member 1; plus strand). Cytogenetic location: 10q23.1.
Variant type: single nucleotide variant.
Coding change: c.824G>A on transcript NM_033100.4 (MANE Select); coding-DNA position 824, G replaced by A.
Protein change: p.Arg275Gln; replaces arginine 275 with glutamine.
Molecular consequence: missense variant.
Genome position (GRCh38, 1-based): chr10:84,204,567, G>A. VCF-style: chr10-84204567-G-A. GRCh37 (hg19) VCF-style: chr10-85964323-G-A.
Other names: c.824G>A, p.Arg275Gln (NM_001171971.3); c.824G>A (NM_033100.2); short protein forms R275Q.
Identifiers: ClinVar variation 1009847 (VCV001009847.9), dbSNP rs201505995, ClinGen allele CA5579722.

ClinVar aggregate classification (germline): Uncertain significance. Review status: criteria provided, multiple submitters, no conflicts (2 of 4 stars). 2 submissions from 2 submitters: Uncertain significance (2). Last evaluated 2024-01-03.

Conditions:
Inborn genetic diseases. Identifiers: MedGen C0950123, MeSH D030342.

Allele frequency attached by ClinVar (database versions not stated): gnomAD 0.00003; ExAC 0.00001.
gnomAD v4.1: 25 of 1,613,598 alleles (0.0015%); highest among the groups gnomAD compares: South Asian, 0.0044%; no homozygotes.

Submissions (2):

Ambry Genetics
Classification: Uncertain significance for Inborn genetic diseases. Last evaluated: 2024-01-03. Review status: criteria provided, single submitter. Criteria: Ambry Variant Classification Scheme 2023. Collection method: clinical testing. Allele origin: germline.

Labcorp Genetics (formerly Invitae), Labcorp
Classification: Uncertain significance. Last evaluated: 2022-07-14. Review status: criteria provided, single submitter. Criteria: Invitae Variant Classification Sherloc (09022015). Collection method: clinical testing. Allele origin: germline.
Comment: This variant has not been reported in the literature in individuals affected with CDHR1-related conditions. This variant is present in population databases (rs201505995, gnomAD 0.008%). This sequence change replaces arginine, which is basic and polar, with glutamine, which is neutral and polar, at codon 275 of the CDHR1 protein (p.Arg275Gln). ClinVar contains an entry for this variant (Variation ID: 1009847). In summary, the available evidence is currently insufficient to determine the role of this variant in disease. Therefore, it has been classified as a Variant of Uncertain Significance. Advanced modeling of protein sequence and biophysical properties (such as structural, functional, and spatial information, amino acid conservation, physicochemical variation, residue mobility, and thermodynamic stability) performed at Invitae indicates that this missense variant is not expected to disrupt CDHR1 protein function.